The following is an entry in ClinVar:

NM_000059.4(BRCA2):c.3264dup (p.Gln1089fs)

Gene: BRCA2 (BRCA2 DNA repair associated; plus strand). Cytogenetic location: 13q13.1.
Variant type: Duplication.
Coding change: c.3264dup on transcript NM_000059.4 (MANE Select); coding-DNA position 3264, one base duplicated (T; older notation c.3264dupT).
Protein change: p.Gln1089fs; shifts the reading frame from glutamine 1089.
Molecular consequence: frameshift variant.
Genome position (GRCh38, 1-based): chr13:32,337,619, T duplicated. VCF-style (leftmost placement, unchanged base first): chr13-32337618-C-CT. GRCh37 (hg19) VCF-style: chr13-32911755-C-CT.
Other names: 3492insT; c.3264dupT (NM_000059.3); short protein forms Q1089fs.
Identifiers: ClinVar variation 37830 (VCV000037830.78), dbSNP rs80359380, ClinGen allele CA017653.

ClinVar aggregate classification (germline): Pathogenic. Review status: reviewed by expert panel (3 of 4 stars). 28 submissions from 28 submitters: Pathogenic (1). 27 of the submissions do not count toward it. Last evaluated 2016-09-08.

Conditions:
Hereditary breast ovarian cancer syndrome. Also called: Breast and ovarian cancer; Hereditary breast and ovarian cancer; Hereditary breast and ovarian cancer syndrome (HBOC); Hereditary breast and ovarian cancer syndrome; BRCA1- and BRCA2-Associated Hereditary Breast and Ovarian Cancer; Hereditary breast and/or ovarian cancer syndrome. Identifiers: Orphanet 145, MedGen C0677776, MeSH D061325, MONDO:0003582. Disease mechanism: loss of function.
Fanconi anemia complementation group D1. Also called: BRCA2-Related Fanconi Anemia. Identifiers: Orphanet 319462, MedGen C1838457, MONDO:0011584, OMIM 605724.
Pancreatic cancer, susceptibility to, 2. Identifiers: Orphanet 1333, MedGen C3150546, MONDO:0013235, OMIM 613347.
Breast-ovarian cancer, familial, susceptibility to, 2 (BROVCA2). Also called: BRCA2 Hereditary Breast and Ovarian Cancer. Identifiers: Orphanet 145, MedGen C2675520, MONDO:0012933, OMIM 612555. Disease mechanism: loss of function.
BRCA2-related cancer predisposition. Identifiers: MedGen CN377758, MONDO:0700269.
BRCA2-related disorder. Also called: BRCA2-related condition; BRCA2-related disorders. Identifiers: MedGen CN239275.
Glioma susceptibility 3 (GLM3). Also called: Glioblastoma 3. Identifiers: Orphanet 182067, Orphanet 360, MedGen C2751641, MONDO:0013093, OMIM 613029.
Familial prostate cancer. Also called: Hereditary Prostate Cancer. Identifiers: MedGen C2931456, MONDO:0700275, OMIM 176807.
Medulloblastoma (MDB). Also called: Medulloblastoma, somatic; MEDULLOBLASTOMA PREDISPOSITION SYNDROME. Identifiers: Orphanet 616, MedGen C0025149, MeSH D008527, MONDO:0007959, OMIM 155255, HP:0002885.
Wilms tumor 1 (WT1). Also called: Wilms tumor, somatic. Identifiers: Orphanet 654, MedGen CN033288, MONDO:0008679, OMIM 194070.
Familial cancer of breast. Also called: BREAST CANCER, FAMILIAL; hereditary breast carcinoma; Hereditary breast cancer. Identifiers: Orphanet 227535, MedGen C0346153, MONDO:0016419, OMIM 114480. Disease mechanism: loss of function.
Hereditary cancer-predisposing syndrome. Also called: Neoplastic Syndromes, Hereditary; Tumor predisposition; Hereditary Cancer Syndrome; Hereditary neoplastic syndrome. Identifiers: Orphanet 140162, MedGen C0027672, MeSH D009386, MONDO:0015356.
Ovarian neoplasm. Also called: Ovarian Neoplasms; Ovarian tumor; Neoplasm of ovary. Identifiers: MedGen C0919267, MeSH D010051, MONDO:0021068, HP:0100615.

Allele frequency attached by ClinVar (database versions not stated): ExAC 0.00001; gnomAD 0.00001; gnomAD exomes 0.00001 and 0.00003; TOPMed 0.00002.

Submissions 1 to 7 of 28:

Evidence-based Network for the Interpretation of Germline Mutant Alleles (ENIGMA)
Classification: Pathogenic for Breast-ovarian cancer, familial, susceptibility to, 2. Last evaluated: 2016-09-08. Review status: reviewed by expert panel. Criteria: ENIGMA BRCA1/2 Classification Criteria (2015). Collection method: curation. Allele origin: germline.
Comment: Variant allele predicted to encode a truncated non-functional protein.

PreventionGenetics, part of Exact Sciences
Classification: Pathogenic for BRCA2-related condition. Last evaluated: 2026-09-17. Review status: criteria provided, single submitter. Criteria: ACMG Guidelines, 2015. Collection method: clinical testing. Allele origin: germline. Not counted in ClinVar's aggregate classification.
Comment: The BRCA2 c.3264dupT variant is predicted to result in a frameshift and premature protein termination (p.Gln1089Serfs*10). This variant, also described as 3492insT, 3492_3493insT and c.3264_3265insT in the literature, has been reported as a recurrent causative variant for hereditary breast and ovarian cancer (Godinez Paredes et al. 2024. PubMed ID: 38520597; García-Verdín P.M. et al. 2025. PubMed ID: 41283249), particularly in Spanish and Hispanic populations (Gabaldó Barrios et al. 2017. PubMed ID: 28477318; Supplemental Table 1, Wei et al. 2023. PubMed ID: 37310942; de Juan et al. 2015. PubMed ID: 26026974). This variant has also been reported in an individual with gastric cancer (Table S3, Susswein et al. 2015. PubMed ID: 26681312), in an individual with early-onset pancreatic ductal adenocarcinoma (PDAC, Supplementary Table 3, Bannon et al. 2018. PubMed ID: 30274973), and has also been noted in combination with another BRCA2 variant in individuals with Fanconi anemia with childhood onset aggressive cancers such as medulloblastoma (Chandrasekharappa et al. 2013. PubMed ID: 23613520; Table S1, Radulovic et al. 2023. PubMed ID: 36721989). This variant is interpreted as pathogenic by an expert panel in ClinVar (Variation ID: 37830). Frameshift variants in BRCA2 are expected to be pathogenic. This variant is interpreted as pathogenic.

Ambry Genetics
Classification: Pathogenic for Hereditary cancer-predisposing syndrome. Last evaluated: 2026-04-23. Review status: criteria provided, single submitter. Criteria: Ambry Variant Classification Scheme 2023. Collection method: clinical testing. Allele origin: germline. Not counted in ClinVar's aggregate classification.
Comment: The c.3264dupT (p.Q1089Sfs*10) alteration, located in exon 11 (coding exon 10) of the BRCA2 gene, consists of a duplication of T at position 3264, causing a translational frameshift with a predicted alternate stop codon after 10 amino acids. This alteration is expected to result in loss of function by premature protein truncation or nonsense-mediated mRNA decay. The Genome Aggregation Database (gnomAD) data for this variant is unreliable due to technical and/or biological issues; therefore, population frequency estimates were not considered. This variant has been reported as a pathogenic mutation in numerous Spanish and Mexican breast and/or ovarian cancer kindreds (Llort, 2002; Weitzel, 2013; Susswein, 2016; Gabald&oacute; Barrios, 2017). This variant has also been observed in Fanconi anemia patients (Myers, 2012; Chandrasekharappa, 2013) and in a patient with pancreatic cancer (Lowery, 2018). Of note, this variant is also designated as 3492insT in published literature. Based on the available evidence, this alteration is classified as pathogenic.

Labcorp Genetics (formerly Invitae), Labcorp
Classification: Pathogenic for Hereditary breast ovarian cancer syndrome. Last evaluated: 2026-01-31. Review status: criteria provided, single submitter. Criteria: Invitae Variant Classification Sherloc (09022015). Collection method: clinical testing. Allele origin: germline. Not counted in ClinVar's aggregate classification.
Comment: This sequence change creates a premature translational stop signal (p.Gln1089Serfs*10) in the BRCA2 gene. It is expected to result in an absent or disrupted protein product. Loss-of-function variants in BRCA2 are known to be pathogenic (PMID: 20104584). This variant is present in population databases (rs777107618, gnomAD 0.02%). This premature translational stop signal has been observed in individual(s) with breast and/or ovarian cancer and Fanconi anemia (PMID: 12845657, 16030099, 19941167, 20033483, 22426013, 23613520, 24123850, 25136594). In at least one individual the data is consistent with being in trans (on the opposite chromosome) from a pathogenic variant. It is commonly reported in individuals of Spanish and American individuals of Latin American descent ancestry (PMID: 16030099, 19941167). This variant is also known as 3492insT and 3492_3493insT. ClinVar contains an entry for this variant (Variation ID: 37830). For these reasons, this variant has been classified as Pathogenic.

3billion
Classification: Pathogenic for Breast-ovarian cancer, familial, susceptibility to, 2. Last evaluated: 2025-06-18. Review status: criteria provided, single submitter. Criteria: ACMG Guidelines, 2015. Collection method: clinical testing. Allele origin: germline. Affected: yes. Not counted in ClinVar's aggregate classification.
Comment: The variant is observed at an extremely low frequency in the gnomAD v4.1.0 dataset (total allele frequency: <0.001%). Predicted Consequence/Location: Frameshift: predicted to result in a loss or disruption of normal protein function through nonsense-mediated decay (NMD) or protein truncation. Multiple pathogenic variants are reported downstream of the variant. The variant has been reported multiple times as an established pathogenic variant (ClinVar ID: VCV000037830 /PMID: 11857748). Therefore, this variant is classified as Pathogenic according to the recommendation of ACMG/AMP guideline.

Mayo Clinic Laboratories, Mayo Clinic
Classification: Pathogenic. Last evaluated: 2025-05-06. Review status: criteria provided, single submitter. Criteria: ACMG Guidelines, 2015. Collection method: clinical testing. Allele origin: germline. Observed: 3 variant alleles. Not counted in ClinVar's aggregate classification.
Comment: PP5, PM3, PS4_moderate, PVS1

Variantyx, Inc.
Classification: Pathogenic for Breast-ovarian cancer, familial, susceptibility to, 2. Last evaluated: 2025-04-21. Review status: criteria provided, single submitter. Criteria: Variantyx Assertion Criteria 2022. Collection method: clinical testing. Allele origin: germline. Inheritance: Autosomal dominant inheritance. Affected: yes. Not counted in ClinVar's aggregate classification.
Comment: This is a frameshift variant in the BRCA2 gene (OMIM: 600185). Pathogenic variants in this gene have been associated with autosomal dominant susceptibility to familial breast-ovarian cancer 2. This variant introduces a premature termination codon in exon 11 out of 27 and is expected to result in loss of function, which is a known disease mechanism for BRCA2 in this disorder (PMID: 12065746, 20104584) (PVS1). This variant has been reported in several unrelated affected individuals (PMID: 28477318, 29506128, 26681312, 29053726) (PS4_Moderate). It has a 0.0128% maximum allele frequency in non-founder control populations (PM2). Other reputable laboratories have reported this variant as pathogenic or likely pathogenic, and this classification has been validated by an expert panel in ClinVar (PP5). Based on the current evidence, this variant is classified as pathogenic for autosomal dominant susceptibility to familial breast-ovarian cancer 2.